The following is an entry in ClinVar:

NM_014855.3(AP5Z1):c.1254C>G (p.Leu418=)

Gene: AP5Z1 (adaptor related protein complex 5 subunit zeta 1; plus strand). Cytogenetic location: 7p22.1.
Variant type: single nucleotide variant.
Coding change: c.1254C>G on transcript NM_014855.3 (MANE Select); coding-DNA position 1254, C replaced by G.
Protein change: p.Leu418=; no amino-acid change (leucine 418 retained).
Molecular consequence: synonymous variant. On other transcripts: non-coding transcript variant (1).
Genome position (GRCh38, 1-based): chr7:4,786,371, C>G. VCF-style: chr7-4786371-C-G. GRCh37 (hg19) VCF-style: chr7-4826002-C-G.
Other names: c.786C>G, p.Leu262= (NM_001364858.1).
Identifiers: ClinVar variation 696254 (VCV000696254.13), dbSNP rs763868444, ClinGen allele CA4137697.
Genomic context (GRCh38, chr7:4,786,371, plus strand): 5'-GGAGCAGTTCCACAGCCCCATGCTGGCCTTTGAATTCATCCAGTTCTGCAGGGACAACCT[C>G]CACCTGTTCAGCGGGCACCTCAGCACCCTCAGATTGAGCTTCCCCAACCTCTTTAAGGTA-3'
Protein context (NP_055670.1, residues 408-428): FEFIQFCRDN[Leu418=]HLFSGHLSTL

ClinVar aggregate classification (germline): Likely benign. Review status: criteria provided, multiple submitters, no conflicts (2 of 4 stars). 2 submissions from 2 submitters: Likely benign (2). Last evaluated 2025-12-01.

Conditions:
Hereditary spastic paraplegia 48. Also called: SPASTIC PARAPLEGIA 48, AUTOSOMAL RECESSIVE; Spastic paraplegia 48. Identifiers: Orphanet 306511, MedGen C3150901, MONDO:0013342, OMIM 613647.

Allele frequency attached by ClinVar (database versions not stated): TOPMed 0.00003; gnomAD 0.00004 and 0.00005.
gnomAD v4.1: 113 of 1,613,816 alleles (0.007%); highest among the groups gnomAD compares: South Asian, 0.074%; no homozygotes.

Submissions (2):

CeGaT Center for Human Genetics Tuebingen
Classification: Likely benign. Last evaluated: 2025-12-01. Review status: criteria provided, single submitter. Criteria: CeGaT Center For Human Genetics Tuebingen Variant Classification Criteria Version 2. Collection method: clinical testing. Allele origin: germline. Affected: yes. Observed: 1 variant allele.
Comment: AP5Z1: BP4, BP7

Labcorp Genetics (formerly Invitae), Labcorp
Classification: Likely benign for Hereditary spastic paraplegia 48. Last evaluated: 2025-09-22. Review status: criteria provided, single submitter. Criteria: Invitae Variant Classification Sherloc (09022015). Collection method: clinical testing. Allele origin: germline.